The following is an entry in ClinVar:

ClinVar aggregate classification (germline): Pathogenic. Review status: reviewed by expert panel (3 of 4 stars). 2 submissions from 2 submitters: Pathogenic (1). 1 of the submissions does not count toward it. Last evaluated 2016-10-18.

Conditions:
Breast-ovarian cancer, familial, susceptibility to, 2 (BROVCA2). Also called: BRCA2 Hereditary Breast and Ovarian Cancer. Identifiers: Orphanet 145, MedGen C2675520, MONDO:0012933, OMIM 612555. Disease mechanism: loss of function.

Submissions (2):

Evidence-based Network for the Interpretation of Germline Mutant Alleles (ENIGMA)
Classification: Pathogenic for Breast-ovarian cancer, familial, susceptibility to, 2. Last evaluated: 2016-10-18. Review status: reviewed by expert panel. Criteria: ENIGMA BRCA1/2 Classification Criteria (2015). Collection method: curation. Allele origin: germline.
Comment: Variant allele predicted to encode a truncated non-functional protein.

Consortium of Investigators of Modifiers of BRCA1/2 (CIMBA), c/o University of Cambridge
Classification: Pathogenic for Breast-ovarian cancer, familial, susceptibility to, 2. Last evaluated: 2015-10-02. Review status: criteria provided, single submitter. Criteria: CIMBA Mutation Classification guidelines May 2016. Collection method: clinical testing. Allele origin: germline. Not counted in ClinVar's aggregate classification.

NM_000059.4(BRCA2):c.2397del (p.Gly800fs)

Gene: BRCA2 (BRCA2 DNA repair associated; plus strand). Cytogenetic location: 13q13.1.
Variant type: Deletion.
Coding change: c.2397del on transcript NM_000059.4 (MANE Select); coding-DNA position 2397, one base deleted (A; older notation c.2397delA).
Protein change: p.Gly800fs; shifts the reading frame from glycine 800.
Molecular consequence: frameshift variant.
Genome position (GRCh38, 1-based): chr13:32,336,752, A deleted; the last of 3 consecutive A bases (chr13:32,336,750-32,336,752); deleting any one gives the same sequence. VCF-style (leftmost placement, unchanged base first): chr13-32336749-CA-C. GRCh37 (hg19) VCF-style: chr13-32910886-CA-C.
Other names: 2625delA; short protein forms G800fs.
Identifiers: ClinVar variation 266695 (VCV000266695.5), dbSNP rs886040422, ClinGen allele CA10589151.